The following is an entry in ClinVar:

NC_000016.9:g.(?_88851289)_(88909257_?)del

Genes: APRT (adenine phosphoribosyltransferase; minus strand), CDT1 (chromatin licensing and DNA replication factor 1; plus strand), GALNS (galactosamine (N-acetyl)-6-sulfatase; minus strand), PIEZO1 (piezo type mechanosensitive ion channel component 1 (Er blood group); minus strand). Cytogenetic location: 16q24.3.
Variant type: Deletion.
Identifiers: ClinVar variation 3243321 (VCV003243321.1).

ClinVar aggregate classification (germline): Pathogenic (1 of 4 stars; one submission).

Conditions:
Mucopolysaccharidosis, MPS-IV-A (MPS4A). Also called: Morquio syndrome A, mild; MORQUIO SYNDROME A; GALACTOSAMINE-6-SULFATASE DEFICIENCY; GALNS DEFICIENCY; MORQUIO A DISEASE; Mucopolysaccharidosis type IV A. Identifiers: Orphanet 309297, Orphanet 582, MedGen C0086651, MONDO:0009659, OMIM 253000.

Submission:

Labcorp Genetics (formerly Invitae), Labcorp
Classification: Pathogenic for Mucopolysaccharidosis, MPS-IV-A. Last evaluated: 2023-10-29. Review status: criteria provided, single submitter. Criteria: Invitae Variant Classification Sherloc (09022015). Collection method: clinical testing. Allele origin: unknown.
Comment: This variant is a gross deletion of the genomic region encompassing exon(s) 2-14 of the GALNS gene, which includes the termination codon. This deletion extends beyond the assayed region for this gene and therefore may encompass additional genes. While this deletion is not anticipated to lead to nonsense mediated decay, it is expected to alter mRNA translation or result in a truncated protein product. A similar copy number variant has been observed in individual(s) with mucopolysaccharidosis type IVA (PMID: 35212421). This variant disrupts a region of the GALNS protein in which other variant(s) (p.Trp520Arg) have been determined to be pathogenic (PMID: 34387910, 34472180). This suggests that this is a clinically significant region of the protein, and that variants that disrupt it are likely to be disease-causing. For these reasons, this variant has been classified as Pathogenic.

Literature cited by the submitters: PubMed 35212421; PubMed 34387910; PubMed 34472180.